The following is an entry in ClinVar:

ClinVar aggregate classification (germline): Uncertain significance/Uncertain risk allele. Review status: criteria provided, multiple submitters, no conflicts (2 of 4 stars). 2 submissions from 2 submitters: Uncertain significance (1); Uncertain risk allele (1). Last evaluated 2025-04-10.

Conditions:
Diabetic retinopathy. Identifiers: MedGen C0011884, MONDO:0005266.
Familial thoracic aortic aneurysm and aortic dissection (TAAD). Also called: Thoracic aortic aneurysms and dissections. Identifiers: Orphanet 91387, MedGen C4707243, MONDO:0019625.

Allele frequency attached by ClinVar (database versions not stated): TOPMed below 0.00001.

Submissions (2):

Labcorp Genetics (formerly Invitae), Labcorp
Classification: Uncertain significance for Familial thoracic aortic aneurysm and aortic dissection. Last evaluated: 2025-04-10. Review status: criteria provided, single submitter. Criteria: Invitae Variant Classification Sherloc (09022015). Collection method: clinical testing. Allele origin: germline.
Comment: This sequence change replaces serine, which is neutral and polar, with proline, which is neutral and non-polar, at codon 59 of the TGFBR2 protein (p.Ser59Pro). This variant is not present in population databases (gnomAD no frequency). This variant has not been reported in the literature in individuals affected with TGFBR2-related conditions. ClinVar contains an entry for this variant (Variation ID: 567975). Invitae Evidence Modeling of protein sequence and biophysical properties (such as structural, functional, and spatial information, amino acid conservation, physicochemical variation, residue mobility, and thermodynamic stability) has been performed for this missense variant. However, the output from this modeling did not meet the statistical confidence thresholds required to predict the impact of this variant on TGFBR2 protein function. In summary, the available evidence is currently insufficient to determine the role of this variant in disease. Therefore, it has been classified as a Variant of Uncertain Significance.

Clinical Genomics, Uppaluri K&H Personalized Medicine Clinic
Classification: Uncertain risk allele for Diabetic retinopathy. Review status: criteria provided, single submitter. Criteria: K And H Uppaluri Personalized Medicine Clinic Variant Classification And Assertion Criteria Updated V 2. Collection method: research. Allele origin: unknown.
Comment: Potent mutations in TGFBR2 gene encodes the transforming growth factor that have been associated with angiogenesis and diabetic retinopathy. More clinical studies are needed for stronger association. However, more evidence is required to confer the association of this particular variant rs1559456557 with diabetic retinopathy.

Literature cited by the submitters: PubMed 30222965 (cited by Clinical Genomics, Uppaluri K&H Personalized Medicine Clinic); PubMed 28162229 (cited by Clinical Genomics, Uppaluri K&H Personalized Medicine Clinic); PubMed 34572573 (cited by Clinical Genomics, Uppaluri K&H Personalized Medicine Clinic).

NM_003242.6(TGFBR2):c.175T>C (p.Ser59Pro)

Gene: TGFBR2 (transforming growth factor beta receptor 2; plus strand). Cytogenetic location: 3p24.1.
Variant type: single nucleotide variant.
Coding change: c.175T>C on transcript NM_003242.6 (MANE Select); coding-DNA position 175, T replaced by C.
Protein change: p.Ser59Pro; replaces serine 59 with proline.
Molecular consequence: missense variant.
Genome position (GRCh38, 1-based): chr3:30,644,827, T>C. VCF-style: chr3-30644827-T-C. GRCh37 (hg19) VCF-style: chr3-30686319-T-C.
Other names: c.250T>C, p.Ser84Pro (NM_001024847.3, NM_001407126.1, NM_001407139.1); c.175T>C, p.Ser59Pro (NM_001407127.1, NM_001407130.1); c.202T>C, p.Ser68Pro (NM_001407128.1); c.70T>C, p.Ser24Pro (NM_001407129.1, NM_001407132.1, NM_001407133.1 and 3 more transcripts); short protein forms S59P, S84P, S68P, S24P.
Identifiers: ClinVar variation 567975 (VCV000567975.7), dbSNP rs1559456557, ClinGen allele CA351806469.